The following is an entry in ClinVar:

ClinVar aggregate classification (germline): Uncertain significance (1 of 4 stars; one submission).

Conditions:
PKHD1-related disorder. Also called: PKHD1-related condition.

gnomAD v4.1: 5 of 1,614,068 alleles (0.00031%); highest among the groups gnomAD compares: South Asian, 0.0011%; no homozygotes.

Submission:

PreventionGenetics, part of Exact Sciences
Classification: Uncertain significance for PKHD1-related condition. Last evaluated: 2026-01-01. Review status: criteria provided, single submitter. Criteria: ACMG Guidelines, 2015. Collection method: clinical testing. Allele origin: germline.
Comment: The PKHD1 c.4501A>G variant is predicted to result in the amino acid substitution p.Thr1501Ala. To our knowledge, this variant has not been reported in the literature. This variant is reported in 0.0033% of alleles in individuals of South Asian descent in gnomAD. At this time, the clinical significance of this variant is uncertain due to the absence of conclusive functional and genetic evidence.

NM_138694.4(PKHD1):c.4501A>G (p.Thr1501Ala)

Gene: PKHD1 (PKHD1 ciliary IPT domain containing fibrocystin/polyductin; minus strand). Cytogenetic location: 6p12.2.
Variant type: single nucleotide variant.
Coding change: c.4501A>G on transcript NM_138694.4 (MANE Select); coding-DNA position 4501, A replaced by G.
Protein change: p.Thr1501Ala; replaces threonine 1501 with alanine.
Molecular consequence: missense variant.
Genome position (GRCh38, 1-based): chr6:52,025,309, T>C on the plus strand (A>G on the coding strand, the complement: PKHD1 is on the minus strand). VCF-style: chr6-52025309-T-C. GRCh37 (hg19) VCF-style: chr6-51890107-T-C.
Other names: c.4501A>G, p.Thr1501Ala (NM_170724.3); short protein forms T1501A.
Identifiers: ClinVar variation 4992380 (VCV004992380.1).